The following is an entry in ClinVar:

NM_003036.4(SKI):c.1094A>G (p.Lys365Arg)

Gene: SKI (SKI proto-oncogene; plus strand). Cytogenetic location: 1p36.32.
Variant type: single nucleotide variant.
Coding change: c.1094A>G on transcript NM_003036.4 (MANE Select); coding-DNA position 1094, A replaced by G.
Protein change: p.Lys365Arg; replaces lysine 365 with arginine.
Molecular consequence: missense variant.
Genome position (GRCh38, 1-based): chr1:2,303,102, A>G. VCF-style: chr1-2303102-A-G. GRCh37 (hg19) VCF-style: chr1-2234541-A-G.
Other names: short protein forms K365R.
Identifiers: ClinVar variation 1790120 (VCV001790120.2), dbSNP rs1482153836, ClinGen allele CA337954246.

ClinVar aggregate classification (germline): Uncertain significance (1 of 4 stars; one submission).

Conditions:
Familial thoracic aortic aneurysm and aortic dissection (TAAD). Also called: Thoracic aortic aneurysms and dissections. Identifiers: Orphanet 91387, MedGen C4707243, MONDO:0019625.

Allele frequency attached by ClinVar (database versions not stated): gnomAD exomes 0.00001; TOPMed 0.00002.
gnomAD v4.1: 3 of 1,613,132 alleles (0.00019%); highest among the groups gnomAD compares: Non-Finnish European, 0.00025%; no homozygotes.

Submission:

Ambry Genetics
Classification: Uncertain significance for Familial thoracic aortic aneurysm and aortic dissection. Last evaluated: 2021-05-21. Review status: criteria provided, single submitter. Criteria: Ambry Variant Classification Scheme 2023. Collection method: clinical testing. Allele origin: germline.
Comment: The p.K365R variant (also known as c.1094A>G), located in coding exon 2 of the SKI gene, results from an A to G substitution at nucleotide position 1094. The lysine at codon 365 is replaced by arginine, an amino acid with highly similar properties. This amino acid position is highly conserved in available vertebrate species. In addition, the in silico prediction for this alteration is inconclusive. Since supporting evidence is limited at this time, the clinical significance of this alteration remains unclear.